The following is an entry in ClinVar:

NM_201384.3(PLEC):c.9986A>G (p.Glu3329Gly)

Gene: PLEC (plectin; minus strand). Cytogenetic location: 8q24.3.
Variant type: single nucleotide variant.
Coding change: c.9986A>G on transcript NM_201384.3 (MANE Select); coding-DNA position 9986, A replaced by G.
Protein change: p.Glu3329Gly; replaces glutamic acid 3329 with glycine.
Molecular consequence: missense variant.
Genome position (GRCh38, 1-based): chr8:143,919,835, T>C on the plus strand (A>G on the coding strand, the complement: PLEC is on the minus strand). VCF-style: chr8-143919835-T-C. GRCh37 (hg19) VCF-style: chr8-144994003-T-C.
Other names: c.10067A>G (NM_000445.3); c.10067A>G, p.Glu3356Gly (NM_000445.5); c.6686A>G, p.Glu2229Gly (NM_001410941.1); c.9944A>G, p.Glu3315Gly (NM_201378.4); c.9920A>G, p.Glu3307Gly (NM_201379.3); c.10397A>G, p.Glu3466Gly (NM_201380.4); c.9890A>G, p.Glu3297Gly (NM_201381.3); c.9986A>G, p.Glu3329Gly (NM_201382.4); and 1 more; short protein forms E3307G, E3356G, E3315G, E3333G, E3466G, E2229G, E3297G, E3329G.
Identifiers: ClinVar variation 2925916 (VCV002925916.4), dbSNP rs782143674, ClinGen allele CA4924797.
Genomic context (GRCh38, chr8:143,919,835, plus strand): 5'-GTCCGCACGGAGCCCAGCTCCGAAAGGTCCTTGACCGTCGTCTTGCCGTCCTTGAGCTGC[T>C]CAAACTGGGCTCTGCTGAGGACCCCGGAAGCCAGGAGCTCGCTGGCTGGCACAGGGGCAC-3'
Protein context (NP_958786.1, residues 3319-3339): ASGVLSRAQF[Glu3329Gly]QLKDGKTTVK

ClinVar aggregate classification (germline): Uncertain significance. Review status: criteria provided, multiple submitters, no conflicts (2 of 4 stars). 2 submissions from 2 submitters: Uncertain significance (2). Last evaluated 2024-10-05.

Conditions:
Epidermolysis bullosa simplex with nail dystrophy (EBS5D). Identifiers: MedGen C4225309, MONDO:0014661, OMIM 616487.
Epidermolysis bullosa simplex, Ogna type (EBS5A). Also called: EPIDERMOLYSIS BULLOSA SIMPLEX 5A, OGNA TYPE; Pidermolysis bullosa simplex 5A, Ogna type. Identifiers: Orphanet 79401, MedGen C0432317, MONDO:0007555, OMIM 131950.
Epidermolysis bullosa simplex 5C, with pyloric atresia (EBS5C). Also called: PLEC1-Related Epidermolysis Bullosa with Pyloric Atresia; PLEC-Related Epidermolysis Bullosa with Pyloric Atresia; Epidermolysis bullosa simplex with pyloric atresia. Identifiers: Orphanet 158684, MedGen C2677349, MONDO:0012807, OMIM 612138.
Autosomal recessive limb-girdle muscular dystrophy type 2Q (LGMDR17). Also called: MUSCULAR DYSTROPHY, LIMB-GIRDLE, AUTOSOMAL RECESSIVE 17. Identifiers: Orphanet 254361, MedGen C3150989, MONDO:0013390, OMIM 613723.
Epidermolysis bullosa simplex 5B, with muscular dystrophy (EBS5B). Also called: EPIDERMOLYSIS BULLOSA SIMPLEX AND LIMB-GIRDLE MUSCULAR DYSTROPHY; Epidermolysis bullosa simplex with muscular dystrophy. Identifiers: Orphanet 257, MedGen C2931072, MONDO:0009181, OMIM 226670.
Inborn genetic diseases. Identifiers: MedGen C0950123, MeSH D030342.

Allele frequency attached by ClinVar (database versions not stated): gnomAD 0.00001; gnomAD exomes 0.00001; ExAC 0.00002; TOPMed 0.00003; 1000 Genomes Project 30x 0.00016.
gnomAD v4.1: 14 of 1,613,130 alleles (0.00087%); highest among the groups gnomAD compares: East Asian, 0.025%; no homozygotes.

Submissions (2):

Labcorp Genetics (formerly Invitae), Labcorp
Classification: Uncertain significance for Autosomal recessive limb-girdle muscular dystrophy type 2Q; Epidermolysis bullosa simplex, Ogna type; Epidermolysis bullosa simplex with nail dystrophy; Epidermolysis bullosa simplex 5C, with pyloric atresia; Epidermolysis bullosa simplex 5B, with muscular dystrophy. Last evaluated: 2024-10-05. Review status: criteria provided, single submitter. Criteria: Invitae Variant Classification Sherloc (09022015). Collection method: clinical testing. Allele origin: germline.
Comment: This sequence change replaces glutamic acid, which is acidic and polar, with glycine, which is neutral and non-polar, at codon 3356 of the PLEC protein (p.Glu3356Gly). This variant is present in population databases (rs782143674, gnomAD 0.06%). This variant has not been reported in the literature in individuals affected with PLEC-related conditions. An algorithm developed to predict the effect of missense changes on protein structure and function (PolyPhen-2) suggests that this variant is likely to be disruptive. In summary, the available evidence is currently insufficient to determine the role of this variant in disease. Therefore, it has been classified as a Variant of Uncertain Significance.

Ambry Genetics
Classification: Uncertain significance for Inborn genetic diseases. Last evaluated: 2024-08-28. Review status: criteria provided, single submitter. Criteria: Ambry Variant Classification Scheme 2023. Collection method: clinical testing. Allele origin: germline.